The following is an entry in ClinVar:

NM_022168.4(IFIH1):c.2784C>T (p.His928=)

Gene: IFIH1 (interferon induced with helicase C domain 1; minus strand). Cytogenetic location: 2q24.2.
Variant type: single nucleotide variant.
Coding change: c.2784C>T on transcript NM_022168.4 (MANE Select); coding-DNA position 2784, C replaced by T.
Protein change: p.His928=; no amino-acid change (histidine 928 retained).
Molecular consequence: synonymous variant.
Genome position (GRCh38, 1-based): chr2:162,268,110, G>A on the plus strand (C>T on the coding strand, the complement: IFIH1 is on the minus strand). VCF-style: chr2-162268110-G-A. GRCh37 (hg19) VCF-style: chr2-163124620-G-A.
Other names: c.2784C>T, p.His928= (LRG_1235t1).
Identifiers: ClinVar variation 474955 (VCV000474955.16), dbSNP rs145187664, ClinGen allele CA1934079.
Genomic context (GRCh38, chr2:162,268,110, plus strand): 5'-TGTGGAAAAATGTAAAAATGGGTCTTTCTGGACTCACTTGAATTCTGGGGTCATATTGAC[G>A]TGATGCATTTTCTCAATTACATGGATATCTTCCCCAGAACAGGCTAGCACACTGCAGTTT-3'
Protein context (NP_071451.2, residues 918-938): EDIHVIEKMH[His928=]VNMTPEFKEL

ClinVar aggregate classification (germline): Benign/Likely benign. Review status: criteria provided, multiple submitters, no conflicts (2 of 4 stars). 3 submissions from 3 submitters: Benign (1); Likely benign (2). Last evaluated 2026-04-01.

Conditions:
Singleton-Merten syndrome 1 (SGMRT1). Also called: Widened medullary cavities of bone, aortic calcification, abnormal dentition, and muscular weakness; Syndrome of widened medullary cavities of the metacarpals and phalanges, aortic calcification and abnormal dentition. Identifiers: Orphanet 85191, MedGen C4225427, MONDO:0024535, OMIM 182250.
Aicardi-Goutieres syndrome 7 (AGS7). Identifiers: Orphanet 51, MedGen C3888244, MONDO:0014367, OMIM 615846.

Allele frequency attached by ClinVar (database versions not stated): ESP Exome Variant Server 0.00023; ExAC 0.00032; TOPMed 0.00049; gnomAD 0.00059 and 0.00060; 1000 Genomes Project 0.00080; 1000 Genomes Project 30x 0.00094.
gnomAD v4.1: 310 of 1,606,744 alleles (0.019%); highest among the groups gnomAD compares: African/African-American, 0.06%; 1 homozygote.

Submissions (3):

CeGaT Center for Human Genetics Tuebingen
Classification: Likely benign. Last evaluated: 2026-04-01. Review status: criteria provided, single submitter. Criteria: CeGaT Center For Human Genetics Tuebingen Variant Classification Criteria Version 2. Collection method: clinical testing. Allele origin: germline. Affected: yes. Observed: 1 variant allele.
Comment: IFIH1: BP4, BP7

Labcorp Genetics (formerly Invitae), Labcorp
Classification: Benign for Aicardi-Goutieres syndrome 7; Singleton-Merten syndrome 1. Last evaluated: 2025-12-01. Review status: criteria provided, single submitter. Criteria: Invitae Variant Classification Sherloc (09022015). Collection method: clinical testing. Allele origin: germline.

Blueprint Genetics
Classification: Likely benign. Last evaluated: 2024-11-25. Review status: criteria provided, single submitter. Criteria: ACMG Guidelines, 2015. Collection method: clinical testing. Allele origin: germline.